The following is an entry in ClinVar:

ClinVar aggregate classification (germline): Uncertain significance (1 of 4 stars; one submission).

gnomAD v4.1: 1 of 1,614,068 alleles (0.000062%); no homozygotes.

Submission:

Labcorp Genetics (formerly Invitae), Labcorp
Classification: Uncertain significance. Last evaluated: 2022-03-08. Review status: criteria provided, single submitter. Criteria: Invitae Variant Classification Sherloc (09022015). Collection method: clinical testing. Allele origin: germline.
Comment: This variant is present in population databases (no rsID available, gnomAD no frequency). This variant has not been reported in the literature in individuals affected with ARHGEF10-related conditions. Algorithms developed to predict the effect of sequence changes on RNA splicing suggest that this variant may disrupt the consensus splice site. In summary, the available evidence is currently insufficient to determine the role of this variant in disease. Therefore, it has been classified as a Variant of Uncertain Significance. This sequence change affects an acceptor splice site in intron 24 of the ARHGEF10 gene. It is expected to disrupt RNA splicing. Variants that disrupt the donor or acceptor splice site typically lead to a loss of protein function (PMID: 16199547), however the current clinical and genetic evidence is not sufficient to establish whether loss-of-function variants in ARHGEF10 cause disease.

Literature cited by the submitters: PubMed 16199547.

NM_014629.4(ARHGEF10):c.2922-1G>C

Gene: ARHGEF10 (Rho guanine nucleotide exchange factor 10; plus strand). Cytogenetic location: 8p23.3.
Variant type: single nucleotide variant.
Coding change: c.2922-1G>C on transcript NM_014629.4 (MANE Select); the canonical splice acceptor site of the intron before coding-DNA position 2922, G replaced by C.
Molecular consequence: splice acceptor variant.
Genome position (GRCh38, 1-based): chr8:1,929,285, G>C. VCF-style: chr8-1929285-G-C. GRCh37 (hg19) VCF-style: chr8-1877451-G-C.
Other names: c.2805-1G>C (NM_001438092.1, NM_001438093.1); c.2925-1G>C (NM_001438091.1); c.2808-1G>C (NM_001308152.2, NM_001438094.1); c.2922-1G>C (NM_001308153.3).
Identifiers: ClinVar variation 1935521 (VCV001935521.5), dbSNP rs1251813920, ClinGen allele CA369968504.